The following is an entry in ClinVar:

ClinVar aggregate classification (germline): Uncertain significance. Review status: criteria provided, multiple submitters, no conflicts (2 of 4 stars). 2 submissions from 2 submitters: Uncertain significance (2). Last evaluated 2022-05-27.

Conditions:
3-methylglutaconic aciduria type 1 (MGCA1). Identifiers: Orphanet 67046, MedGen C0342727, MONDO:0009610, OMIM 250950.

Submissions (2):

GeneDx
Classification: Uncertain significance. Last evaluated: 2022-05-27. Review status: criteria provided, single submitter. Criteria: GeneDx Variant Classification Process June 2021. Collection method: clinical testing. Allele origin: germline. Affected: yes.
Comment: Not observed at significant frequency in large population cohorts (gnomAD); In silico analysis supports that this missense variant has a deleterious effect on protein structure/function; Has not been previously published as pathogenic or benign to our knowledge

Elsea Laboratory, Baylor College of Medicine
Classification: Uncertain significance for 3-methylglutaconic aciduria type 1. Last evaluated: 2020-04-01. Review status: criteria provided, single submitter. Criteria: ACMG Guidelines, 2015. Collection method: clinical testing. Allele origin: germline. Affected: no.

NM_001698.3(AUH):c.419G>A (p.Gly140Asp)

Gene: AUH (AU RNA binding methylglutaconyl-CoA hydratase; minus strand). Cytogenetic location: 9q22.31.
Variant type: single nucleotide variant.
Coding change: c.419G>A on transcript NM_001698.3 (MANE Select); coding-DNA position 419, G replaced by A.
Protein change: p.Gly140Asp; replaces glycine 140 with aspartic acid.
Molecular consequence: missense variant. On other transcripts: intron variant (1).
Genome position (GRCh38, 1-based): chr9:91,325,404, C>T on the plus strand (G>A on the coding strand, the complement: AUH is on the minus strand). VCF-style: chr9-91325404-C-T. GRCh37 (hg19) VCF-style: chr9-94087686-C-T.
Other names: c.419G>A (NM_001698.2); c.92G>A, p.Gly31Asp (NM_001351431.2, NM_001351432.2, NM_001351433.2); c.419-27328G>A (NM_001306190.2); short protein forms G140D, G31D.
Identifiers: ClinVar variation 973439 (VCV000973439.6), dbSNP rs1829899485, ClinGen allele CA373837227.